The following is an entry in ClinVar:

NM_004130.4(GYG1):c.818A>T (p.Tyr273Phe)

Gene: GYG1 (glycogenin 1; plus strand). Cytogenetic location: 3q24.
Variant type: single nucleotide variant.
Coding change: c.818A>T on transcript NM_004130.4 (MANE Select); coding-DNA position 818, A replaced by T.
Protein change: p.Tyr273Phe; replaces tyrosine 273 with phenylalanine.
Molecular consequence: missense variant. On other transcripts: intron variant (1).
Genome position (GRCh38, 1-based): chr3:149,024,262, A>T. VCF-style: chr3-149024262-A-T. GRCh37 (hg19) VCF-style: chr3-148742049-A-T.
Other names: c.818A>T, p.Tyr273Phe (NM_001184720.2); c.609-2498A>T (NM_001184721.2); short protein forms Y273F.
Identifiers: ClinVar variation 577858 (VCV000577858.12), dbSNP rs1211466583, ClinGen allele CA354908844.

ClinVar aggregate classification (germline): Uncertain significance. Review status: criteria provided, multiple submitters, no conflicts (2 of 4 stars). 2 submissions from 2 submitters: Uncertain significance (2). Last evaluated 2024-03-01.

Conditions:
Inborn genetic diseases. Identifiers: MedGen C0950123, MeSH D030342.
Glycogen storage disease XV (GSD15). Also called: GLYCOGENIN DEFICIENCY; GSD XV. Identifiers: Orphanet 263297, MedGen C3150754, MONDO:0013291, OMIM 613507.
Polyglucosan body myopathy type 2. Identifiers: Orphanet 456369, MedGen C4015452, MONDO:0014526, OMIM 616199.

Allele frequency attached by ClinVar (database versions not stated): TOPMed below 0.00001; gnomAD 0.00001; gnomAD exomes 0.00001.
gnomAD v4.1: 8 of 1,589,878 alleles (0.0005%); highest among the groups gnomAD compares: East Asian, 0.018%; no homozygotes.

Submissions (2):

Ambry Genetics
Classification: Uncertain significance for Inborn genetic diseases. Last evaluated: 2024-03-01. Review status: criteria provided, single submitter. Criteria: Ambry Variant Classification Scheme 2023. Collection method: clinical testing. Allele origin: germline.

Labcorp Genetics (formerly Invitae), Labcorp
Classification: Uncertain significance for Polyglucosan body myopathy type 2; Glycogen storage disease XV. Last evaluated: 2019-02-23. Review status: criteria provided, single submitter. Criteria: Invitae Variant Classification Sherloc (09022015). Collection method: clinical testing. Allele origin: germline.
Comment: In summary, the available evidence is currently insufficient to determine the role of this variant in disease. Therefore, it has been classified as a Variant of Uncertain Significance. Algorithms developed to predict the effect of missense changes on protein structure and function (SIFT, PolyPhen-2, Align-GVGD) all suggest that this variant is likely to be tolerated, but these predictions have not been confirmed by published functional studies and their clinical significance is uncertain. This variant has not been reported in the literature in individuals with GYG1-related disease. This variant is not present in population databases (ExAC no frequency). This sequence change replaces tyrosine with phenylalanine at codon 273 of the GYG1 protein (p.Tyr273Phe). The tyrosine residue is weakly conserved and there is a small physicochemical difference between tyrosine and phenylalanine.